The following is an entry in ClinVar:

NM_001330691.3(CEP78):c.901A>G (p.Met301Val)

Gene: CEP78 (centrosomal protein 78; plus strand). Cytogenetic location: 9q21.2.
Variant type: single nucleotide variant.
Coding change: c.901A>G on transcript NM_001330691.3 (MANE Select); coding-DNA position 901, A replaced by G.
Protein change: p.Met301Val; replaces methionine 301 with valine.
Molecular consequence: missense variant.
Genome position (GRCh38, 1-based): chr9:78,248,299, A>G. VCF-style: chr9-78248299-A-G. GRCh37 (hg19) VCF-style: chr9-80863215-A-G.
Other names: p.Met301Val; c.901A>G, p.Met301Val (NM_001098802.3, NM_001330693.3, NM_001330694.2 and 4 more transcripts); short protein forms M301V.
Identifiers: ClinVar variation 851086 (VCV000851086.7), dbSNP rs200072743, ClinGen allele CA5095081.

ClinVar aggregate classification (germline): Conflicting classifications of pathogenicity. Review status: criteria provided, conflicting classifications (1 of 4 stars). 4 submissions from 4 submitters: Uncertain significance (3); Likely benign (1). Last evaluated 2024-11-11.

Conditions:
Cone-rod dystrophy and hearing loss 1 (CRDHL1). Identifiers: MedGen C5193018, MONDO:0020778, OMIM 617236.

Allele frequency attached by ClinVar (database versions not stated): ExAC 0.00030; gnomAD exomes 0.00031 and 0.00062; TOPMed 0.00035; gnomAD 0.00046 and 0.00050; ESP Exome Variant Server 0.00085.
gnomAD v4.1: 921 of 1,542,068 alleles (0.06%); highest among the groups gnomAD compares: Non-Finnish European, 0.078%; no homozygotes.

Submissions (4):

Blueprint Genetics
Classification: Likely benign. Last evaluated: 2024-11-11. Review status: criteria provided, single submitter. Criteria: ACMG Guidelines, 2015. Collection method: clinical testing. Allele origin: germline.

Mayo Clinic Laboratories, Mayo Clinic
Classification: Uncertain significance. Last evaluated: 2024-07-30. Review status: criteria provided, single submitter. Criteria: ACMG Guidelines, 2015. Collection method: clinical testing. Allele origin: germline. Observed: 1 variant allele.
Comment: BP4, PM2

Labcorp Genetics (formerly Invitae), Labcorp
Classification: Uncertain significance. Last evaluated: 2022-10-17. Review status: criteria provided, single submitter. Criteria: Invitae Variant Classification Sherloc (09022015). Collection method: clinical testing. Allele origin: germline.
Comment: This sequence change replaces methionine, which is neutral and non-polar, with valine, which is neutral and non-polar, at codon 301 of the CEP78 protein (p.Met301Val). This variant is present in population databases (rs200072743, gnomAD 0.06%). This variant has not been reported in the literature in individuals affected with CEP78-related conditions. ClinVar contains an entry for this variant (Variation ID: 851086). Advanced modeling of protein sequence and biophysical properties (such as structural, functional, and spatial information, amino acid conservation, physicochemical variation, residue mobility, and thermodynamic stability) performed at Invitae indicates that this missense variant is not expected to disrupt CEP78 protein function. In summary, the available evidence is currently insufficient to determine the role of this variant in disease. Therefore, it has been classified as a Variant of Uncertain Significance.

Baylor Genetics
Classification: Uncertain significance for Cone-rod dystrophy and hearing loss 1. Last evaluated: 2019-07-12. Review status: criteria provided, single submitter. Criteria: ACMG Guidelines, 2015. Collection method: clinical testing. Allele origin: unknown. Affected: yes.
Comment: This variant was determined to be of uncertain significance according to ACMG Guidelines, 2015 [PMID:25741868].